The following is an entry in ClinVar:

NM_000059.4(BRCA2):c.317-579G>A

Gene: BRCA2 (BRCA2 DNA repair associated; plus strand). Cytogenetic location: 13q13.1.
Variant type: single nucleotide variant.
Coding change: c.317-579G>A on transcript NM_000059.4 (MANE Select); 579 bases into the intron before coding-DNA position 317, G replaced by A.
Molecular consequence: intron variant.
Genome position (GRCh38, 1-based): chr13:32,324,497, G>A. VCF-style: chr13-32324497-G-A. GRCh37 (hg19) VCF-style: chr13-32898634-G-A.
Other names: IVS 3-579G>A.
Identifiers: ClinVar variation 209640 (VCV000209640.1), dbSNP rs115317108, ClinGen allele CA276609.
Genomic context (GRCh38, chr13:32,324,497, plus strand): 5'-ATAAATATATATATTTCTTATGTACCCACAAAAATTAAAAATGAAGAAATTAAGTAAATT[G>A]TGAAAGGCCTTCATACTATGGAGTTTGACTTGATCTTGAAAAGTAAGATCTTGAAAGGTT-3'

ClinVar aggregate classification (germline): Benign (3 of 4 stars; one submission).

Conditions:
Breast-ovarian cancer, familial, susceptibility to, 2 (BROVCA2). Also called: BRCA2 Hereditary Breast and Ovarian Cancer. Identifiers: Orphanet 145, MedGen C2675520, MONDO:0012933, OMIM 612555. Disease mechanism: loss of function.

Allele frequency attached by ClinVar (database versions not stated): gnomAD 0.00577 and 0.00625; TOPMed 0.00645; 1000 Genomes Project 30x 0.00687; 1000 Genomes Project 0.00699.
gnomAD v4.1: 869 of 152,290 alleles (0.57%); highest among the groups gnomAD compares: African/African-American, 2%; 7 homozygotes.

Submission:

Evidence-based Network for the Interpretation of Germline Mutant Alleles (ENIGMA)
Classification: Benign for Breast-ovarian cancer, familial 2. Last evaluated: 2015-01-12. Review status: reviewed by expert panel. Criteria: ENIGMA BRCA1/2 Classification Criteria (2015). Collection method: curation. Allele origin: germline.
Comment: Class 1 not pathogenic based on frequency >1% in an outbred sampleset. Frequency 0.05691 (African), derived from 1000 genomes (2012-04-30).